The following is an entry in ClinVar:

ClinVar aggregate classification (germline): Uncertain significance (1 of 4 stars; one submission).

Conditions:
Cystinuria (CSNU). Also called: CYSTINURIA, TYPE I; CYSTINURIA, TYPE II; CYSTINURIA, TYPE III; Cystinuria, non-type I. Identifiers: Orphanet 214, MedGen C0010691, MONDO:0009067, OMIM 220100, HP:0003131.

gnomAD v4.1: 2 of 1,613,902 alleles (0.00012%); highest among the groups gnomAD compares: Admixed American, 0.0033%; no homozygotes.

Submission:

Labcorp Genetics (formerly Invitae), Labcorp
Classification: Uncertain significance for Cystinuria. Last evaluated: 2024-09-11. Review status: criteria provided, single submitter. Criteria: Invitae Variant Classification Sherloc (09022015). Collection method: clinical testing. Allele origin: germline.
Comment: This sequence change replaces asparagine, which is neutral and polar, with serine, which is neutral and polar, at codon 253 of the SLC3A1 protein (p.Asn253Ser). This variant is present in population databases (rs772079408, gnomAD 0.003%). This variant has not been reported in the literature in individuals affected with SLC3A1-related conditions. Invitae Evidence Modeling of protein sequence and biophysical properties (such as structural, functional, and spatial information, amino acid conservation, physicochemical variation, residue mobility, and thermodynamic stability) has been performed for this missense variant. However, the output from this modeling did not meet the statistical confidence thresholds required to predict the impact of this variant on SLC3A1 protein function. In summary, the available evidence is currently insufficient to determine the role of this variant in disease. Therefore, it has been classified as a Variant of Uncertain Significance.

NM_000341.4(SLC3A1):c.758A>G (p.Asn253Ser)

Gene: SLC3A1 (solute carrier family 3 member 1; plus strand). Cytogenetic location: 2p21.
Variant type: single nucleotide variant.
Coding change: c.758A>G on transcript NM_000341.4 (MANE Select); coding-DNA position 758, A replaced by G.
Protein change: p.Asn253Ser; replaces asparagine 253 with serine.
Molecular consequence: missense variant.
Genome position (GRCh38, 1-based): chr2:44,281,534, A>G. VCF-style: chr2-44281534-A-G. GRCh37 (hg19) VCF-style: chr2-44508673-A-G.
Other names: short protein forms N253S.
Identifiers: ClinVar variation 3703084 (VCV003703084.2).